The following is an entry in ClinVar:

ClinVar aggregate classification (germline): Benign (1 of 4 stars; one submission).

Allele frequency attached by ClinVar (database versions not stated): TOPMed 0.14543; gnomAD 0.14798; 1000 Genomes Project 30x 0.14866; 1000 Genomes Project 0.15236.
gnomAD v4.1: 238,896 of 1,322,126 alleles (18%); highest among the groups gnomAD compares: Admixed American, 20%; 22,866 homozygotes.

Submission:

Unidad de Genómica Garrahan, Hospital de Pediatría Garrahan
Classification: Benign. Last evaluated: 2024-01-24. Review status: criteria provided, single submitter. Criteria: ACMG Guidelines, 2015. Collection method: clinical testing. Allele origin: germline. Affected: no. Observed: 28 variant alleles.
Comment: This variant is classified as Benign based on local population frequency. This variant was detected in 32% of patients studied by a panel of primary immunodeficiencies. Number of patients: 28. Only high quality variants are reported.

NM_000878.5(IL2RB):c.537+97C>G

Gene: IL2RB (interleukin 2 receptor subunit beta; minus strand). Cytogenetic location: 22q12.3.
Variant type: single nucleotide variant.
Coding change: c.537+97C>G on transcript NM_000878.5 (MANE Select); 97 bases into the intron after coding-DNA position 537, C replaced by G.
Molecular consequence: intron variant.
Genome position (GRCh38, 1-based): chr22:37,137,490, G>C on the plus strand (C>G on the coding strand, the complement: IL2RB is on the minus strand). VCF-style: chr22-37137490-G-C. GRCh37 (hg19) VCF-style: chr22-37533530-G-C.
Other names: c.537+97C>G (NM_001346222.1, NM_001346223.2).
Identifiers: ClinVar variation 2688456 (VCV002688456.2), dbSNP rs3218292, ClinGen allele CA14951301.